The following is an entry in ClinVar:

NM_001080512.3(BICC1):c.960T>A (p.Phe320Leu)

Gene: BICC1 (BicC family RNA binding protein 1; plus strand). Cytogenetic location: 10q21.1.
Variant type: single nucleotide variant.
Coding change: c.960T>A on transcript NM_001080512.3 (MANE Select); coding-DNA position 960, T replaced by A.
Protein change: p.Phe320Leu; replaces phenylalanine 320 with leucine.
Molecular consequence: missense variant.
Genome position (GRCh38, 1-based): chr10:58,789,846, T>A. VCF-style: chr10-58789846-T-A. GRCh37 (hg19) VCF-style: chr10-60549606-T-A.
Other names: short protein forms F320L.
Identifiers: ClinVar variation 4767528 (VCV004767528.1).

ClinVar aggregate classification (germline): Uncertain significance (1 of 4 stars; one submission).

Submission:

Labcorp Genetics (formerly Invitae), Labcorp
Classification: Uncertain significance. Last evaluated: 2025-09-07. Review status: criteria provided, single submitter. Criteria: Invitae Variant Classification Sherloc (09022015). Collection method: clinical testing. Allele origin: germline.
Comment: This sequence change replaces phenylalanine, which is neutral and non-polar, with leucine, which is neutral and non-polar, at codon 320 of the BICC1 protein (p.Phe320Leu). This variant is not present in population databases (gnomAD no frequency). This variant has not been reported in the literature in individuals affected with BICC1-related conditions. An algorithm developed to predict the effect of missense changes on protein structure and function (PolyPhen-2) suggests that this variant is likely to be disruptive. In summary, the available evidence is currently insufficient to determine the role of this variant in disease. Therefore, it has been classified as a Variant of Uncertain Significance.